The following is an entry in ClinVar:

NM_176787.5(PIGN):c.2329C>T (p.Arg777Ter)

Gene: PIGN (phosphatidylinositol glycan anchor biosynthesis class N; minus strand). Cytogenetic location: 18q21.33.
Variant type: single nucleotide variant.
Coding change: c.2329C>T on transcript NM_176787.5 (MANE Select); coding-DNA position 2329, C replaced by T.
Protein change: p.Arg777Ter; replaces arginine 777 with a stop codon.
Molecular consequence: nonsense.
Genome position (GRCh38, 1-based): chr18:62,088,797, G>A on the plus strand (C>T on the coding strand, the complement: PIGN is on the minus strand). VCF-style: chr18-62088797-G-A. GRCh37 (hg19) VCF-style: chr18-59756030-G-A.
Other names: c.2329C>T, p.Arg777Ter (NM_012327.6); c.2329C>T (NM_176787.4); short protein forms R777*.
Identifiers: ClinVar variation 2709566 (VCV002709566.6), dbSNP rs927198220, ClinGen allele CA301694051.

ClinVar aggregate classification (germline): Pathogenic. Review status: criteria provided, multiple submitters, no conflicts (2 of 4 stars). 3 submissions from 3 submitters: Pathogenic (3). Last evaluated 2025-11-04.

Conditions:
Multiple congenital anomalies-hypotonia-seizures syndrome 1 (MCAHS1). Also called: GLYCOSYLPHOSPHATIDYLINOSITOL BIOSYNTHESIS DEFECT 3; PIGN-CDG; Congenital disorder of glycosylation due to PIGN deficiency. Identifiers: Orphanet 280633, MedGen C3279775, MONDO:0013563, OMIM 614080.

Allele frequency attached by ClinVar (database versions not stated): gnomAD 0.00002; TOPMed 0.00002; gnomAD exomes 0.00003.
gnomAD v4.1: 45 of 1,564,074 alleles (0.0029%); highest among the groups gnomAD compares: South Asian, 0.02%; no homozygotes.

Submissions (3):

GeneDx
Classification: Pathogenic. Last evaluated: 2025-11-04. Review status: criteria provided, single submitter. Criteria: GeneDx Variant Classification Process June 2021. Collection method: clinical testing. Allele origin: germline.
Comment: Nonsense variant predicted to result in protein truncation or nonsense mediated decay in a gene for which loss of function is a known mechanism of disease; Not observed at significant frequency in large population cohorts (gnomAD); This variant is associated with the following publications: (PMID: 35179230)

First Genomix Gene Laboratory, Genetic Diagnostics Department
Classification: Pathogenic for Multiple congenital anomalies-hypotonia-seizures syndrome 1. Last evaluated: 2025-03-25. Review status: criteria provided, single submitter. Criteria: ACMG Guidelines, 2015. Collection method: clinical testing. Allele origin: germline. Inheritance: Autosomal recessive inheritance. Affected: no. Observed: 1 variant allele.

Labcorp Genetics (formerly Invitae), Labcorp
Classification: Pathogenic for Multiple congenital anomalies-hypotonia-seizures syndrome 1. Last evaluated: 2024-03-18. Review status: criteria provided, single submitter. Criteria: Invitae Variant Classification Sherloc (09022015). Collection method: clinical testing. Allele origin: germline.
Comment: This sequence change creates a premature translational stop signal (p.Arg777*) in the PIGN gene. It is expected to result in an absent or disrupted protein product. Loss-of-function variants in PIGN are known to be pathogenic (PMID: 24253414, 27038415). The frequency data for this variant in the population databases is considered unreliable, as metrics indicate poor data quality at this position in the gnomAD database. This premature translational stop signal has been observed in individual(s) with clinical features of PIGN-congenital disorder of glycosylation (PMID: 35179230). Algorithms developed to predict the effect of sequence changes on RNA splicing suggest that this variant may disrupt the consensus splice site. For these reasons, this variant has been classified as Pathogenic.

Literature cited by the submitters: PubMed 24253414 (cited by Labcorp Genetics (formerly Invitae), Labcorp); PubMed 27038415 (cited by Labcorp Genetics (formerly Invitae), Labcorp); PubMed 35179230 (cited by Labcorp Genetics (formerly Invitae), Labcorp).